The following is an entry in ClinVar:

NM_005857.5(ZMPSTE24):c.296del (p.Pro99fs)

Gene: ZMPSTE24 (zinc metallopeptidase STE24; plus strand). Cytogenetic location: 1p34.2.
Variant type: Deletion.
Coding change: c.296del on transcript NM_005857.5 (MANE Select); coding-DNA position 296, one base deleted (C; older notation c.296delC).
Protein change: p.Pro99fs; shifts the reading frame from proline 99.
Molecular consequence: frameshift variant.
Genome position (GRCh38, 1-based): chr1:40,267,811, C deleted; the last of 2 consecutive C bases (chr1:40,267,810-40,267,811); deleting either gives the same sequence. VCF-style (leftmost placement, unchanged base first): chr1-40267809-AC-A. GRCh37 (hg19) VCF-style: chr1-40733481-AC-A.
Other names: c.296del (LRG_212t1); short protein forms P99fs.
Identifiers: ClinVar variation 140524 (VCV000140524.1), dbSNP rs281875365, ClinGen allele CA232746.

ClinVar aggregate classification (germline): not provided (0 of 4 stars; one submission).

Submission:

ZMPSTE24 homepage - Leiden Muscular Dystrophy pages
No classification provided. Review status: no classification provided. Collection method: not provided. Allele origin: germline.
Comment: has functional consequence